The following is an entry in ClinVar:

ClinVar aggregate classification (germline): Uncertain significance (1 of 4 stars; one submission).

Conditions:
Leukodystrophy and acquired microcephaly with or without dystonia;. Also called: Leukodystrophy and acquired microcephaly with or without dystonia. Identifiers: MedGen C4225213, MONDO:0014766, OMIM 616763.

Submission:

Baylor Genetics
Classification: Uncertain significance for Leukodystrophy and acquired microcephaly with or without dystonia;. Last evaluated: 2020-06-03. Review status: criteria provided, single submitter. Criteria: ACMG Guidelines, 2015. Collection method: clinical testing. Allele origin: unknown. Affected: yes.
Comment: This variant was determined to be of uncertain significance according to ACMG Guidelines, 2015 [PMID:25741868].

NM_022835.3(PLEKHG2):c.4012A>G (p.Thr1338Ala)

Gene: PLEKHG2 (pleckstrin homology and RhoGEF domain containing G2; plus strand). Cytogenetic location: 19q13.2.
Variant type: single nucleotide variant.
Coding change: c.4012A>G on transcript NM_022835.3 (MANE Select); coding-DNA position 4012, A replaced by G.
Protein change: p.Thr1338Ala; replaces threonine 1338 with alanine.
Molecular consequence: missense variant. On other transcripts: intron variant (2).
Genome position (GRCh38, 1-based): chr19:39,425,145, A>G. VCF-style: chr19-39425145-A-G. GRCh37 (hg19) VCF-style: chr19-39915785-A-G.
Other names: c.3573-93A>G (NM_001351693.2); c.1678-93A>G (NM_001351694.2); short protein forms T1338A.
Identifiers: ClinVar variation 1029864 (VCV001029864.1), dbSNP rs2078765401, ClinGen allele CA405811371.